The following is an entry in ClinVar:

ClinVar aggregate classification (germline): Likely pathogenic. Review status: criteria provided, multiple submitters, no conflicts (2 of 4 stars). 4 submissions from 4 submitters: Likely pathogenic (4). Last evaluated 2025-08-29.

Conditions:
Hypophosphatasia. Also called: Phosphoethanol-aminuria. Identifiers: Orphanet 436, MedGen C0020630, MeSH D007014, MONDO:0018570.

Allele frequency attached by ClinVar (database versions not stated): gnomAD exomes below 0.00001.
gnomAD v4.1: 2 of 1,613,992 alleles (0.00012%); highest among the groups gnomAD compares: African/African-American, 0.0013%; no homozygotes.

Submissions (4):

Genomenon, Inc
Classification: Likely pathogenic for Hypophosphatasia. Last evaluated: 2025-08-29. Review status: criteria provided, single submitter. Criteria: Genomenon Sequence Variant Interpretation Standards. Collection method: curation. Allele origin: germline. Affected: yes.
Comment: ALPL c.662G>T is a missense variant that changes the amino acid at residue 221 from Glycine to Valine. This variant has been observed in a proband affected with hypophosphatasia (PMID:18925618). The variant was found to segregate with disease in at least one affected family (PMID:18925618). This variant has been described as Gly204Val in the literature. It is absent or not present at a significant frequency in gnomAD. In silico models agree that this variant is possibly or probably damaging. In conclusion, we classify ALPL p.Gly221Val (c.662G>T) as a likely pathogenic variant.

Myriad Genetics, Inc.
Classification: Likely pathogenic for Hypophosphatasia. Last evaluated: 2025-08-15. Review status: criteria provided, single submitter. Criteria: Myriad Autosomal Dominant, Autosomal Recessive and X-Linked Classification Criteria (2023). Collection method: clinical testing. Allele origin: unknown.
Comment: NM_000478.4(ALPL):c.662G>T(G221V) is a missense variant classified as likely pathogenic in the context of hypophosphatasia. G221V has been observed in a case with relevant disease (PMID: 18925618). Relevant functional assessments of this variant are not available in the literature. Internal structural analysis of the variant is supportive of pathogenicity. G221V has been observed in referenced population frequency databases. In summary, NM_000478.4(ALPL):c.662G>T(G221V) is a missense variant that has been observed more frequently in cases with the relevant disease than in healthy populations. Please note: this variant was assessed in the context of healthy population screening.

Natera, Inc.
Classification: Likely pathogenic for Hypophosphatasia. Last evaluated: 2025-01-17. Review status: criteria provided, single submitter. Criteria: Natera Variant Classification Schema (03/2026). Collection method: clinical testing. Allele origin: germline.
Comment: The c.662G>T variant in ALPL is a missense variant predicted to cause substitution of glycine to valine at amino acid 221. This variant is rare in the general population with a frequency below the threshold expected for the associated phenotype(s). This variant has been observed in one or more individuals affected with the associated recessive disease, as either homozygous or compound heterozygous with a second variant (PMID: 32973344). Additionally, this variant has been observed to segregate in affected family members (PMID: 18925618). A different variant at the same position has been determined to be Pathogenic or Likely Pathogenic. Computational prediction algorithms indicate this variant is likely to affect gene or protein function. Given the available evidence, this variant is classified as Likely Pathogenic.

Labcorp Genetics (formerly Invitae), Labcorp
Classification: Likely pathogenic. Last evaluated: 2022-07-06. Review status: criteria provided, single submitter. Criteria: Invitae Variant Classification Sherloc (09022015). Collection method: clinical testing. Allele origin: germline.
Comment: In summary, the currently available evidence indicates that the variant is pathogenic, but additional data are needed to prove that conclusively. Therefore, this variant has been classified as Likely Pathogenic. This variant disrupts the p.Gly221 amino acid residue in ALPL. Other variant(s) that disrupt this residue have been determined to be pathogenic (PMID: 25731960, 28401263, 28580391). This suggests that this residue is clinically significant, and that variants that disrupt this residue are likely to be disease-causing. Advanced modeling of protein sequence and biophysical properties (such as structural, functional, and spatial information, amino acid conservation, physicochemical variation, residue mobility, and thermodynamic stability) performed at Invitae indicates that this missense variant is expected to disrupt ALPL protein function. This variant is also known as G204V. This missense change has been observed in individual(s) with clinical features of ALPL-related conditions (PMID: 18925618; Invitae). This variant is present in population databases (rs566317085, gnomAD 0.0009%). This sequence change replaces glycine, which is neutral and non-polar, with valine, which is neutral and non-polar, at codon 221 of the ALPL protein (p.Gly221Val).

Literature cited by the submitters: PubMed 18925618 (cited by 4 submitters); PubMed 32973344 (cited by Natera, Inc.); PubMed 25731960 (cited by Labcorp Genetics (formerly Invitae), Labcorp); PubMed 28401263 (cited by Labcorp Genetics (formerly Invitae), Labcorp); PubMed 28580391 (cited by Labcorp Genetics (formerly Invitae), Labcorp).

NM_000478.6(ALPL):c.662G>T (p.Gly221Val)

Gene: ALPL (alkaline phosphatase, biomineralization associated; plus strand). Cytogenetic location: 1p36.12.
Variant type: single nucleotide variant.
Coding change: c.662G>T on transcript NM_000478.6 (MANE Select); coding-DNA position 662, G replaced by T.
Protein change: p.Gly221Val; replaces glycine 221 with valine.
Molecular consequence: missense variant.
Genome position (GRCh38, 1-based): chr1:21,568,117, G>T. VCF-style: chr1-21568117-G-T. GRCh37 (hg19) VCF-style: chr1-21894610-G-T.
Other names: c.497G>T, p.Gly166Val (NM_001127501.4); c.431G>T, p.Gly144Val (NM_001177520.3); c.662G>T, p.Gly221Val (NM_001369803.2, NM_001369804.2, NM_001369805.2); c.662G>T (NM_000478.5); short protein forms G144V, G166V, G221V.
Identifiers: ClinVar variation 2202716 (VCV002202716.7), dbSNP rs566317085, ClinGen allele CA666576.